The following is an entry in ClinVar:

ClinVar aggregate classification (germline): Uncertain significance. Review status: criteria provided, multiple submitters, no conflicts (2 of 4 stars). 3 submissions from 3 submitters: Uncertain significance (3). Last evaluated 2023-08-17.

Conditions:
Inborn genetic diseases. Identifiers: MedGen C0950123, MeSH D030342.
Familial cold autoinflammatory syndrome 3 (FCAS3). Also called: ANTIBODY DEFICIENCY AND IMMUNE DYSREGULATION, PLCG2-ASSOCIATED; FAMILIAL ATYPICAL COLD URTICARIA. Identifiers: Orphanet 300359, MedGen C3280914, MONDO:0013766, OMIM 614468.

Submissions (3):

Labcorp Genetics (formerly Invitae), Labcorp
Classification: Uncertain significance for Familial cold autoinflammatory syndrome 3. Last evaluated: 2023-08-17. Review status: criteria provided, single submitter. Criteria: Invitae Variant Classification Sherloc (09022015). Collection method: clinical testing. Allele origin: germline.
Comment: This variant has not been reported in the literature in individuals affected with PLCG2-related conditions. This sequence change replaces leucine, which is neutral and non-polar, with valine, which is neutral and non-polar, at codon 331 of the PLCG2 protein (p.Leu331Val). This variant is not present in population databases (gnomAD no frequency). ClinVar contains an entry for this variant (Variation ID: 1333891). An algorithm developed to predict the effect of missense changes on protein structure and function (PolyPhen-2) suggests that this variant is likely to be tolerated. In summary, the available evidence is currently insufficient to determine the role of this variant in disease. Therefore, it has been classified as a Variant of Uncertain Significance.

Ambry Genetics
Classification: Uncertain significance for Inborn genetic diseases. Last evaluated: 2022-07-20. Review status: criteria provided, single submitter. Criteria: Ambry Variant Classification Scheme 2023. Collection method: clinical testing. Allele origin: germline.

CENTOGENE GmbH and LLC - Guiding Precision Medicine
Classification: Uncertain significance for Familial cold autoinflammatory syndrome 3. Last evaluated: 2018-04-04. Review status: criteria provided, single submitter. Criteria: ACMG Guidelines, 2015. Collection method: clinical testing. Allele origin: germline. Affected: yes.

NM_002661.5(PLCG2):c.991C>G (p.Leu331Val)

Gene: PLCG2 (phospholipase C gamma 2; plus strand). Cytogenetic location: 16q23.3.
Variant type: single nucleotide variant.
Coding change: c.991C>G on transcript NM_002661.5 (MANE Select); coding-DNA position 991, C replaced by G.
Protein change: p.Leu331Val; replaces leucine 331 with valine.
Molecular consequence: missense variant.
Genome position (GRCh38, 1-based): chr16:81,893,713, C>G. VCF-style: chr16-81893713-C-G. GRCh37 (hg19) VCF-style: chr16-81927318-C-G.
Other names: c.991C>G (NM_002661.3); short protein forms L331V.
Identifiers: ClinVar variation 1333891 (VCV001333891.7), dbSNP rs2143609348, ClinGen allele CA396898473.